The following is an entry in ClinVar:

ClinVar aggregate classification (germline): Benign/Likely benign. Review status: criteria provided, multiple submitters, no conflicts (2 of 4 stars). 3 submissions from 3 submitters: Benign (1); Likely benign (2). Last evaluated 2026-01-28.

Allele frequency attached by ClinVar (database versions not stated): 1000 Genomes Project 0.00120; 1000 Genomes Project 30x 0.00125; ESP Exome Variant Server 0.00148; TOPMed 0.00148.
gnomAD v4.1: 2,907 of 1,613,900 alleles (0.18%); highest among the groups gnomAD compares: Non-Finnish European, 0.22%; 8 homozygotes.

Submissions (3):

Labcorp Genetics (formerly Invitae), Labcorp
Classification: Benign. Last evaluated: 2026-01-28. Review status: criteria provided, single submitter. Criteria: Invitae Variant Classification Sherloc (09022015). Collection method: clinical testing. Allele origin: germline.

Blueprint Genetics
Classification: Likely benign. Last evaluated: 2024-11-27. Review status: criteria provided, single submitter. Criteria: ACMG Guidelines, 2015. Collection method: clinical testing. Allele origin: germline.

CeGaT Center for Human Genetics Tuebingen
Classification: Likely benign. Last evaluated: 2023-03-01. Review status: criteria provided, single submitter. Criteria: CeGaT Center For Human Genetics Tuebingen Variant Classification Criteria Version 2. Collection method: clinical testing. Allele origin: germline. Affected: yes. Observed: 4 variant alleles.
Comment: PCLO: BP4, BP7

NM_033026.6(PCLO):c.9519T>C (p.Leu3173=)

Gene: PCLO (piccolo presynaptic cytomatrix protein; minus strand). Cytogenetic location: 7q21.11.
Variant type: single nucleotide variant.
Coding change: c.9519T>C on transcript NM_033026.6 (MANE Select); coding-DNA position 9519, T replaced by C.
Protein change: p.Leu3173=; no amino-acid change (leucine 3173 retained).
Molecular consequence: synonymous variant.
Genome position (GRCh38, 1-based): chr7:82,951,069, A>G on the plus strand (T>C on the coding strand, the complement: PCLO is on the minus strand). VCF-style: chr7-82951069-A-G. GRCh37 (hg19) VCF-style: chr7-82580385-A-G.
Other names: c.9519T>C, p.Leu3173= (NM_014510.3).
Identifiers: ClinVar variation 1165483 (VCV001165483.42), dbSNP rs117636778, ClinGen allele CA4319905.
Genomic context (GRCh38, chr7:82,951,069, plus strand): 5'-TTCAGGAAACACTTCGGATGCTGTGGTTAAAGTGGGAACAGAGTCTATCGTCTCAGCAGT[A>G]AGAGACTCCATAGTAATAGTTTGCAAACTGGCACTGATATCAATACCAGTTACTGCAATG-3'
Protein context (NP_149015.2, residues 3163-3183): ASLQTITMES[Leu3173=]TAETIDSVPT